The following is an entry in ClinVar:

NM_000424.4(KRT5):c.1060C>T (p.Arg354Trp)

Gene: KRT5 (keratin 5; minus strand). Cytogenetic location: 12q13.13.
Variant type: single nucleotide variant.
Coding change: c.1060C>T on transcript NM_000424.4 (MANE Select); coding-DNA position 1060, C replaced by T.
Protein change: p.Arg354Trp; replaces arginine 354 with tryptophan.
Molecular consequence: missense variant.
Genome position (GRCh38, 1-based): chr12:52,517,622, G>A on the plus strand (C>T on the coding strand, the complement: KRT5 is on the minus strand). VCF-style: chr12-52517622-G-A. GRCh37 (hg19) VCF-style: chr12-52911406-G-A.
Other names: c.1060C>T (NM_000424.3); short protein forms R354W.
Identifiers: ClinVar variation 3645604 (VCV003645604.3).
Genomic context (GRCh38, chr12:52,517,622, plus strand): 5'-CTCAGGAGACAGTCATCAGAGCACCCACCTTGGTCTGATACCAGGACTCGGCTTCTGTCC[G>A]GCTGCGGTTGGCAATCTCCTCATACTGGGCCTTGACCTCAGCGATGATGCTATCCAGGTC-3'
Protein context (NP_000415.2, residues 344-364): AQYEEIANRS[Arg354Trp]TEAESWYQTK

ClinVar aggregate classification (germline): Uncertain significance. Review status: criteria provided, multiple submitters, no conflicts (2 of 4 stars). 2 submissions from 2 submitters: Uncertain significance (2). Last evaluated 2025-04-18.

Conditions:
Inborn genetic diseases. Identifiers: MedGen C0950123, MeSH D030342.

Submissions (2):

Ambry Genetics
Classification: Uncertain significance for Inborn genetic diseases. Last evaluated: 2025-04-18. Review status: criteria provided, single submitter. Criteria: Ambry Variant Classification Scheme 2023. Collection method: clinical testing. Allele origin: germline.

Labcorp Genetics (formerly Invitae), Labcorp
Classification: Uncertain significance. Last evaluated: 2025-01-12. Review status: criteria provided, single submitter. Criteria: Invitae Variant Classification Sherloc (09022015). Collection method: clinical testing. Allele origin: germline.
Comment: This sequence change replaces arginine, which is basic and polar, with tryptophan, which is neutral and slightly polar, at codon 354 of the KRT5 protein (p.Arg354Trp). This variant is present in population databases (rs143630653, gnomAD 0.03%). This variant has not been reported in the literature in individuals affected with KRT5-related conditions. Invitae Evidence Modeling of protein sequence and biophysical properties (such as structural, functional, and spatial information, amino acid conservation, physicochemical variation, residue mobility, and thermodynamic stability) has been performed for this missense variant. However, the output from this modeling did not meet the statistical confidence thresholds required to predict the impact of this variant on KRT5 protein function. In summary, the available evidence is currently insufficient to determine the role of this variant in disease. Therefore, it has been classified as a Variant of Uncertain Significance.